The following is an entry in ClinVar:

ClinVar aggregate classification (germline): Uncertain significance (1 of 4 stars; one submission).

Submission:

Labcorp Genetics (formerly Invitae), Labcorp
Classification: Uncertain significance. Last evaluated: 2022-06-27. Review status: criteria provided, single submitter. Criteria: Invitae Variant Classification Sherloc (09022015). Collection method: clinical testing. Allele origin: germline.
Comment: This variant results in a copy number gain of the genomic region encompassing exon(s) 1 of the RAB33B gene. This region includes the initiator codon of the gene. This copy number gain extends beyond the assayed region for this gene and therefore may encompass additional genes. As the precise location of this event is unknown, it may be in tandem or it may be located elsewhere in the genome. This variant has not been reported in the literature in individuals affected with RAB33B-related conditions. In summary, the available evidence is currently insufficient to determine the role of this variant in disease. Therefore, it has been classified as a Variant of Uncertain Significance.

NC_000004.11:g.(?_140375350)_(140375618_?)dup

Gene: RAB33B (RAB33B, member RAS oncogene family; plus strand). Cytogenetic location: 4q31.1.
Variant type: Duplication.
Identifiers: ClinVar variation 1441485 (VCV001441485.4).